The following is an entry in ClinVar:

ClinVar aggregate classification (germline): Uncertain significance. Review status: criteria provided, multiple submitters, no conflicts (2 of 4 stars). 2 submissions from 2 submitters: Uncertain significance (2). Last evaluated 2025-03-12.

Allele frequency attached by ClinVar (database versions not stated): TOPMed below 0.00001; gnomAD 0.00001.
gnomAD v4.1: 1 of 1,613,846 alleles (0.000062%); highest among the groups gnomAD compares: African/African-American, 0.0013%; no homozygotes.

Submissions (2):

GeneDx
Classification: Uncertain significance. Last evaluated: 2025-03-12. Review status: criteria provided, single submitter. Criteria: GeneDx Variant Classification Process June 2021. Collection method: clinical testing. Allele origin: germline. Affected: yes.
Comment: Not observed at significant frequency in large population cohorts (gnomAD); In silico analysis supports that this missense variant has a deleterious effect on protein structure/function; Has not been previously published as pathogenic or benign to our knowledge

Labcorp Genetics (formerly Invitae), Labcorp
Classification: Uncertain significance. Last evaluated: 2022-10-26. Review status: criteria provided, single submitter. Criteria: Invitae Variant Classification Sherloc (09022015). Collection method: clinical testing. Allele origin: germline.
Comment: This sequence change replaces isoleucine, which is neutral and non-polar, with threonine, which is neutral and polar, at codon 1202 of the SCN3A protein (p.Ile1202Thr). This variant is present in population databases (no rsID available, gnomAD 0.01%). This variant has not been reported in the literature in individuals affected with SCN3A-related conditions. Advanced modeling of protein sequence and biophysical properties (such as structural, functional, and spatial information, amino acid conservation, physicochemical variation, residue mobility, and thermodynamic stability) has been performed at Invitae for this missense variant, however the output from this modeling did not meet the statistical confidence thresholds required to predict the impact of this variant on SCN3A protein function. In summary, the available evidence is currently insufficient to determine the role of this variant in disease. Therefore, it has been classified as a Variant of Uncertain Significance.

NM_006922.4(SCN3A):c.3605T>C (p.Ile1202Thr)

Gene: SCN3A (sodium voltage-gated channel alpha subunit 3; minus strand). Cytogenetic location: 2q24.3.
Variant type: single nucleotide variant.
Coding change: c.3605T>C on transcript NM_006922.4 (MANE Select); coding-DNA position 3605, T replaced by C.
Protein change: p.Ile1202Thr; replaces isoleucine 1202 with threonine.
Molecular consequence: missense variant.
Genome position (GRCh38, 1-based): chr2:165,113,880, A>G on the plus strand (T>C on the coding strand, the complement: SCN3A is on the minus strand). VCF-style: chr2-165113880-A-G. GRCh37 (hg19) VCF-style: chr2-165970390-A-G.
Other names: c.3458T>C, p.Ile1153Thr (NM_001081676.2, NM_001081677.2); c.3605T>C (NM_006922.3); short protein forms I1153T, I1202T.
Identifiers: ClinVar variation 1928895 (VCV001928895.6), dbSNP rs1313037547, ClinGen allele CA349033640.